The following is an entry in ClinVar:

ClinVar aggregate classification (germline): Likely pathogenic (1 of 4 stars; one submission).

Submission:

GeneDx
Classification: Likely pathogenic. Last evaluated: 2016-06-03. Review status: criteria provided, single submitter. Criteria: GeneDx Variant Classification (06012015). Collection method: clinical testing. Allele origin: germline. Affected: yes.
Comment: The A345S variant has not been published as a pathogenic variant, nor has it been reported as a benign variant to our knowledge. The A345S variant was not observed in approximately 6500 individuals of European and African American ancestry in the NHLBI Exome Sequencing Project, indicating it is not a common benign variant in these populations. The A345S variant is a non-conservative amino acid substitution, which is likely to impact secondary protein structure as these residues differ in polarity, charge, size and/or other properties. This substitution occurs at a position that is conserved across species. In silico analysis is inconsistent in its predictions as to whether or not the variant is damaging to the protein structure/function. Therefore, this variant is likely pathogenic; however, the possibility that it is benign cannot be excluded.

NM_021830.5(TWNK):c.1033G>T (p.Ala345Ser)

Gene: TWNK (twinkle mtDNA helicase; plus strand). Cytogenetic location: 10q24.31.
Variant type: single nucleotide variant.
Coding change: c.1033G>T on transcript NM_021830.5 (MANE Select); coding-DNA position 1033, G replaced by T.
Protein change: p.Ala345Ser; replaces alanine 345 with serine.
Molecular consequence: missense variant. On other transcripts: non-coding transcript variant (4), intron variant (3).
Genome position (GRCh38, 1-based): chr10:100,989,243, G>T. VCF-style: chr10-100989243-G-T. GRCh37 (hg19) VCF-style: chr10-102749000-G-T.
Other names: c.1033G>T, p.Ala345Ser (NM_001163812.2); c.-119-401G>T (NM_001163814.2, NM_001163813.2); c.-57-463G>T (NM_001368275.1); short protein forms A345S.
Identifiers: ClinVar variation 432174 (VCV000432174.2), dbSNP rs1554887046, ClinGen allele CA378209711.